The following is an entry in ClinVar:

ClinVar aggregate classification (germline): Uncertain significance. Review status: criteria provided, single submitter (1 of 4 stars). 2 submissions from 2 submitters: Uncertain significance (1). 1 of the submissions does not count toward it. Last evaluated 2023-06-16.

Allele frequency attached by ClinVar (database versions not stated): gnomAD 0.00001; gnomAD exomes 0.00006; ExAC 0.00007.
gnomAD v4.1: 52 of 1,613,976 alleles (0.0032%); highest among the groups gnomAD compares: South Asian, 0.053%; no homozygotes.

Submissions (2):

Ambry Genetics
Classification: Uncertain significance. Last evaluated: 2023-06-16. Review status: criteria provided, single submitter. Criteria: Ambry Variant Classification Scheme 2023. Collection method: clinical testing. Allele origin: germline.

Department of Pathology and Laboratory Medicine, Sinai Health System
Classification: Uncertain significance. Review status: no assertion criteria provided. Collection method: clinical testing. Allele origin: unknown. Affected: yes. Study: The Canadian Open Genetics Repository (COGR). Not counted in ClinVar's aggregate classification.
Comment: The TRPA1 p.Leu941Ile variant was not identified in the literature nor was it identified in ClinVar or LOVD 3.0. The variant was identified in dbSNP (ID: rs762183740) and in control databases in 15 of 251228 chromosomes at a frequency of 0.00005971 (Genome Aggregation Database March 6, 2019, v2.1.1). The variant was observed in the following populations: South Asian in 13 of 30596 chromosomes (freq: 0.000425), East Asian in 1 of 18374 chromosomes (freq: 0.000054) and European (non-Finnish) in 1 of 113592 chromosomes (freq: 0.000009), but was not observed in the African, Latino, Ashkenazi Jewish, European (Finnish), and Other populations. The p.Leu941 residue is conserved in mammals and computational analyses (PolyPhen-2, SIFT, AlignGVGD, BLOSUM, MutationTaster) provide inconsistent predictions regarding the impact to the protein; this information is not very predictive of pathogenicity. The variant occurs outside of the splicing consensus sequence and in silico or computational prediction software programs (SpliceSiteFinder, MaxEntScan, NNSPLICE, GeneSplicer) do not predict a difference in splicing. In summary, based on the above information the clinical significance of this variant cannot be determined with certainty at this time. This variant is classified as a variant of uncertain significance.

NM_007332.3(TRPA1):c.2821C>A (p.Leu941Ile)

Genes: MSC-AS1 (MSC antisense RNA 1; plus strand), TRPA1 (transient receptor potential cation channel subfamily A member 1; minus strand), LOC126860417 (BRD4-independent group 4 enhancer GRCh37_chr8:72945660-72946859; plus strand). Cytogenetic location: 8q21.11.
Variant type: single nucleotide variant.
Coding change: c.2821C>A on transcript NM_007332.3 (MANE Select); coding-DNA position 2821, C replaced by A.
Protein change: p.Leu941Ile; replaces leucine 941 with isoleucine.
Molecular consequence: missense variant.
Genome position (GRCh38, 1-based): chr8:72,033,691, G>T on the plus strand (C>A on the coding strand, the complement: TRPA1 is on the minus strand). VCF-style: chr8-72033691-G-T. GRCh37 (hg19) VCF-style: chr8-72945926-G-T.
Other names: c.2821C>A (NM_007332.2); short protein forms L941I.
Identifiers: ClinVar variation 1049155 (VCV001049155.3), dbSNP rs762183740, ClinGen allele CA4780420.